The following is an entry in ClinVar:

ClinVar aggregate classification (germline): Uncertain significance (1 of 4 stars; one submission).

Conditions:
Dilated cardiomyopathy 1J (CMD1J). Also called: CARDIOMYOPATHY, DILATED, WITH SENSORINEURAL HEARING LOSS, AUTOSOMAL DOMINANT. Identifiers: Orphanet 217622, MedGen C1854368, MONDO:0011541, OMIM 605362.

Submission:

Labcorp Genetics (formerly Invitae), Labcorp
Classification: Uncertain significance for Dilated cardiomyopathy 1J. Last evaluated: 2021-06-07. Review status: criteria provided, single submitter. Criteria: Invitae Variant Classification Sherloc (09022015). Collection method: clinical testing. Allele origin: germline.
Comment: In summary, the available evidence is currently insufficient to determine the role of this variant in disease. Therefore, it has been classified as a Variant of Uncertain Significance. Algorithms developed to predict the effect of missense changes on protein structure and function are either unavailable or do not agree on the potential impact of this missense change (SIFT: "Deleterious"; PolyPhen-2: "Possibly Damaging"; Align-GVGD: "Class C0"). This variant has not been reported in the literature in individuals with EYA4-related conditions. This variant is not present in population databases (ExAC no frequency). This sequence change replaces serine with glycine at codon 223 of the EYA4 protein (p.Ser223Gly). The serine residue is highly conserved and there is a small physicochemical difference between serine and glycine.

NM_004100.5(EYA4):c.667A>G (p.Ser223Gly)

Gene: EYA4 (EYA transcriptional coactivator and phosphatase 4; plus strand). Cytogenetic location: 6q23.2.
Variant type: single nucleotide variant.
Coding change: c.667A>G on transcript NM_004100.5 (MANE Select); coding-DNA position 667, A replaced by G.
Protein change: p.Ser223Gly; replaces serine 223 with glycine.
Molecular consequence: missense variant.
Genome position (GRCh38, 1-based): chr6:133,462,707, A>G. VCF-style: chr6-133462707-A-G. GRCh37 (hg19) VCF-style: chr6-133783845-A-G.
Other names: c.505A>G, p.Ser169Gly (NM_001301012.2, NM_001370459.1); c.667A>G, p.Ser223Gly (NM_001301013.2, NM_172105.4); c.598A>G, p.Ser200Gly (NM_001370458.1, NM_172103.4); short protein forms S223G, S169G, S200G.
Identifiers: ClinVar variation 1359796 (VCV001359796.8), dbSNP rs2128659458, ClinGen allele CA365699376.